The following is an entry in ClinVar:

ClinVar aggregate classification (germline): Uncertain significance. Review status: criteria provided, multiple submitters, no conflicts (2 of 4 stars). 3 submissions from 3 submitters: Uncertain significance (3). Last evaluated 2025-04-28.

Allele frequency attached by ClinVar (database versions not stated): gnomAD exomes below 0.00001 and 0.00002; gnomAD 0.00001 and 0.00002; TOPMed 0.00002; ExAC 0.00003; 1000 Genomes Project 30x 0.00016; 1000 Genomes Project 0.00020.
gnomAD v4.1: 9 of 1,614,066 alleles (0.00056%); highest among the groups gnomAD compares: East Asian, 0.018%; no homozygotes.

Submissions (3):

Ambry Genetics
Classification: Uncertain significance. Last evaluated: 2025-04-28. Review status: criteria provided, single submitter. Criteria: Ambry Variant Classification Scheme 2023. Collection method: clinical testing. Allele origin: germline.

Labcorp Genetics (formerly Invitae), Labcorp
Classification: Uncertain significance. Last evaluated: 2025-04-21. Review status: criteria provided, single submitter. Criteria: Invitae Variant Classification Sherloc (09022015). Collection method: clinical testing. Allele origin: germline.
Comment: This sequence change replaces asparagine, which is neutral and polar, with serine, which is neutral and polar, at codon 269 of the MYH7B protein (p.Asn269Ser). This variant is present in population databases (rs563043125, gnomAD 0.04%). This variant has not been reported in the literature in individuals affected with MYH7B-related conditions. ClinVar contains an entry for this variant (Variation ID: 596748). Invitae Evidence Modeling of protein sequence and biophysical properties (such as structural, functional, and spatial information, amino acid conservation, physicochemical variation, residue mobility, and thermodynamic stability) indicates that this missense variant is expected to disrupt MYH7B protein function with a positive predictive value of 80%. In summary, the available evidence is currently insufficient to determine the role of this variant in disease. Therefore, it has been classified as a Variant of Uncertain Significance.

Eurofins Ntd Llc (ga)
Classification: Uncertain significance. Last evaluated: 2018-03-28. Review status: criteria provided, single submitter. Criteria: EGL ClinVar v180209 classification definitions. Collection method: clinical testing. Allele origin: germline.

NM_020884.7(MYH7B):c.680A>G (p.Asn227Ser)

Gene: MYH7B (myosin heavy chain 7B; plus strand). Cytogenetic location: 20q11.22.
Variant type: single nucleotide variant.
Coding change: c.680A>G on transcript NM_020884.7 (MANE Select); coding-DNA position 680, A replaced by G.
Protein change: p.Asn227Ser; replaces asparagine 227 with serine.
Molecular consequence: missense variant.
Genome position (GRCh38, 1-based): chr20:34,984,885, A>G. VCF-style: chr20-34984885-A-G. GRCh37 (hg19) VCF-style: chr20-33572688-A-G.
Other names: c.806A>G (NM_020884.3); short protein forms N227S.
Identifiers: ClinVar variation 596748 (VCV000596748.8), dbSNP rs563043125, ClinGen allele CA9826602.